The following is an entry in ClinVar:

ClinVar aggregate classification (germline): Pathogenic (1 of 4 stars; one submission).

Submission:

Labcorp Genetics (formerly Invitae), Labcorp
Classification: Pathogenic. Last evaluated: 2024-07-10. Review status: criteria provided, single submitter. Criteria: Invitae Variant Classification Sherloc (09022015). Collection method: clinical testing. Allele origin: germline.
Comment: This sequence change creates a premature translational stop signal (p.Ser364Profs*65) in the TGM1 gene. It is expected to result in an absent or disrupted protein product. Loss-of-function variants in TGM1 are known to be pathogenic (PMID: 18948357, 19241467). This variant is not present in population databases (gnomAD no frequency). This variant has not been reported in the literature in individuals affected with TGM1-related conditions. For these reasons, this variant has been classified as Pathogenic.

Literature cited by the submitters: PubMed 18948357; PubMed 19241467.

NM_000359.3(TGM1):c.1089_1093del (p.Ser364fs)

Gene: TGM1 (transglutaminase 1; minus strand). Cytogenetic location: 14q12.
Variant type: Deletion.
Coding change: c.1089_1093del on transcript NM_000359.3 (MANE Select); coding-DNA positions 1089 to 1093, 5 bases deleted (TAGCT; older notation c.1089_1093delTAGCT).
Protein change: p.Ser364fs; shifts the reading frame from serine 364.
Molecular consequence: frameshift variant.
Genome position (GRCh38, 1-based): chr14:24,259,141-24,259,145, AGCTA deleted on the plus strand (TAGCT on the coding strand, the reverse complement: TGM1 is on the minus strand); deleting any 5 consecutive bases within chr14:24,259,141-24,259,148 gives the same sequence; the c. name uses the placement nearest the transcript's 3' end. VCF-style (leftmost placement, unchanged base first): chr14-24259140-TAGCTA-T. GRCh37 (hg19) VCF-style: chr14-24728346-TAGCTA-T.
Other names: short protein forms S364fs.
Identifiers: ClinVar variation 3686744 (VCV003686744.2), dbSNP rs2139024222.